The following is an entry in ClinVar:

NM_001035.3(RYR2):c.6613C>T (p.Arg2205Cys)

Gene: RYR2 (ryanodine receptor 2; plus strand). Cytogenetic location: 1q43.
Variant type: single nucleotide variant.
Coding change: c.6613C>T on transcript NM_001035.3 (MANE Select); coding-DNA position 6613, C replaced by T.
Protein change: p.Arg2205Cys; replaces arginine 2205 with cysteine.
Molecular consequence: missense variant.
Genome position (GRCh38, 1-based): chr1:237,633,635, C>T. VCF-style: chr1-237633635-C-T. GRCh37 (hg19) VCF-style: chr1-237796935-C-T.
Other names: c.6613C>T, p.Arg2205Cys (LRG_402t1); short protein forms R2205C.
Identifiers: ClinVar variation 572309 (VCV000572309.14), dbSNP rs1558103888, ClinGen allele CA074991.

ClinVar aggregate classification (germline): Uncertain significance. Review status: criteria provided, multiple submitters, no conflicts (2 of 4 stars). 4 submissions from 4 submitters: Uncertain significance (4). Last evaluated 2025-03-30.

Conditions:
Catecholaminergic polymorphic ventricular tachycardia 1. Also called: VENTRICULAR TACHYCARDIA, STRESS-INDUCED POLYMORPHIC 1; RYR2-Related Catecholaminergic Polymorphic Ventricular Tachycardia; VENTRICULAR TACHYCARDIA, CATECHOLAMINERGIC POLYMORPHIC, 1, WITH OR WITHOUT ATRIAL DYSFUNCTION AND/OR DILATED CARDIOMYOPATHY. Identifiers: Orphanet 3286, MedGen C1631597, MONDO:0011484, OMIM 604772.
Cardiovascular phenotype. Identifiers: MedGen CN230736.

Submissions (4):

Labcorp Genetics (formerly Invitae), Labcorp
Classification: Uncertain significance for Catecholaminergic polymorphic ventricular tachycardia 1. Last evaluated: 2025-03-30. Review status: criteria provided, single submitter. Criteria: Invitae Variant Classification Sherloc (09022015). Collection method: clinical testing. Allele origin: germline.
Comment: This sequence change replaces arginine, which is basic and polar, with cysteine, which is neutral and slightly polar, at codon 2205 of the RYR2 protein (p.Arg2205Cys). This variant is not present in population databases (gnomAD no frequency). This variant has not been reported in the literature in individuals affected with RYR2-related conditions. ClinVar contains an entry for this variant (Variation ID: 572309). Invitae Evidence Modeling of protein sequence and biophysical properties (such as structural, functional, and spatial information, amino acid conservation, physicochemical variation, residue mobility, and thermodynamic stability) indicates that this missense variant is expected to disrupt RYR2 protein function with a positive predictive value of 95%. In summary, the available evidence is currently insufficient to determine the role of this variant in disease. Therefore, it has been classified as a Variant of Uncertain Significance.

GeneDx
Classification: Uncertain significance. Last evaluated: 2024-11-12. Review status: criteria provided, single submitter. Criteria: GeneDx Variant Classification Process June 2021. Collection method: clinical testing. Allele origin: germline. Affected: yes.
Comment: Has not been previously published as pathogenic or benign to our knowledge; Not observed at significant frequency in large population cohorts (gnomAD); Not located in one of the three hot-spot regions of the RYR2 gene, where the majority of pathogenic missense variants occur (PMID: 19926015); In silico analysis supports that this missense variant has a deleterious effect on protein structure/function; This variant is associated with the following publications: (PMID: 19926015)

Ambry Genetics
Classification: Uncertain significance for Cardiovascular phenotype. Last evaluated: 2024-02-23. Review status: criteria provided, single submitter. Criteria: Ambry Variant Classification Scheme 2023. Collection method: clinical testing. Allele origin: germline.
Comment: The p.R2205C variant (also known as c.6613C>T), located in coding exon 43 of the RYR2 gene, results from a C to T substitution at nucleotide position 6613. The arginine at codon 2205 is replaced by cysteine, an amino acid with highly dissimilar properties. This amino acid position is highly conserved in available vertebrate species. In addition, this alteration is predicted to be deleterious by in silico analysis. Based on the available evidence, the clinical significance of this alteration remains unclear.

Blueprint Genetics
Classification: Uncertain significance. Last evaluated: 2023-12-12. Review status: criteria provided, single submitter. Criteria: ACMG Guidelines, 2015. Collection method: clinical testing. Allele origin: germline.